The following is an entry in ClinVar:

NM_017654.4(SAMD9):c.98G>A (p.Arg33Lys)

Gene: SAMD9 (sterile alpha motif domain containing 9; minus strand). Cytogenetic location: 7q21.2.
Variant type: single nucleotide variant.
Coding change: c.98G>A on transcript NM_017654.4 (MANE Select); coding-DNA position 98, G replaced by A.
Protein change: p.Arg33Lys; replaces arginine 33 with lysine.
Molecular consequence: missense variant.
Genome position (GRCh38, 1-based): chr7:93,106,000, C>T on the plus strand (G>A on the coding strand, the complement: SAMD9 is on the minus strand). VCF-style: chr7-93106000-C-T. GRCh37 (hg19) VCF-style: chr7-92735313-C-T.
Other names: c.98G>A, p.Arg33Lys (NM_001193307.2); short protein forms R33K.
Identifiers: ClinVar variation 4809867 (VCV004809867.1).

ClinVar aggregate classification (germline): Uncertain significance (1 of 4 stars; one submission).

gnomAD v4.1: 6 of 1,592,460 alleles (0.00038%); highest among the groups gnomAD compares: African/African-American, 0.0014%; no homozygotes.

Submission:

Labcorp Genetics (formerly Invitae), Labcorp
Classification: Uncertain significance. Last evaluated: 2025-11-13. Review status: criteria provided, single submitter. Criteria: Invitae Variant Classification Sherloc (09022015). Collection method: clinical testing. Allele origin: germline.
Comment: This sequence change replaces arginine, which is basic and polar, with lysine, which is basic and polar, at codon 33 of the SAMD9 protein (p.Arg33Lys). This variant is not present in population databases (gnomAD no frequency). This missense change has been observed in individual(s) with clinical features of SAMD9-related conditions (PMID: 34621053). Invitae Evidence Modeling of protein sequence and biophysical properties (such as structural, functional, and spatial information, amino acid conservation, physicochemical variation, residue mobility, and thermodynamic stability) indicates that this missense variant is not expected to disrupt SAMD9 protein function with a negative predictive value of 95%. In summary, the available evidence is currently insufficient to determine the role of this variant in disease. Therefore, it has been classified as a Variant of Uncertain Significance.

Literature cited by the submitters: PubMed 34621053.